The following is an entry in ClinVar:

NM_177550.5(SLC13A5):c.547+304C>T

Gene: SLC13A5 (solute carrier family 13 member 5; minus strand). Cytogenetic location: 17p13.1.
Variant type: single nucleotide variant.
Coding change: c.547+304C>T on transcript NM_177550.5 (MANE Select); 304 bases into the intron after coding-DNA position 547, C replaced by T.
Molecular consequence: intron variant.
Genome position (GRCh38, 1-based): chr17:6,703,574, G>A on the plus strand (C>T on the coding strand, the complement: SLC13A5 is on the minus strand). VCF-style: chr17-6703574-G-A. GRCh37 (hg19) VCF-style: chr17-6606893-G-A.
Other names: c.418+304C>T (NM_001284510.2); c.496+304C>T (NM_001284509.2); c.547+304C>T (NM_001143838.3).
Identifiers: ClinVar variation 671075 (VCV000671075.1), dbSNP rs16956176, ClinGen allele CA14459742.

ClinVar aggregate classification (germline): Benign (1 of 4 stars; one submission).

Allele frequency attached by ClinVar (database versions not stated): gnomAD 0.02939 and 0.03169; 1000 Genomes Project 0.03195; TOPMed 0.03375; 1000 Genomes Project 30x 0.03404.
gnomAD v4.1: 4,445 of 152,294 alleles (2.9%); highest among the groups gnomAD compares: African/African-American, 9.9%; 197 homozygotes.

Submission:

GeneDx
Classification: Benign. Last evaluated: 2018-06-14. Review status: criteria provided, single submitter. Criteria: GeneDx Variant Classification (06012015). Collection method: clinical testing. Allele origin: germline. Affected: yes.
Comment: This variant is considered likely benign or benign based on one or more of the following criteria: it is a conservative change, it occurs at a poorly conserved position in the protein, it is predicted to be benign by multiple in silico algorithms, and/or has population frequency not consistent with disease.